The following is an entry in ClinVar:

NM_012335.4(MYO1F):c.-4C>A

Gene: MYO1F (myosin IF; minus strand). Cytogenetic location: 19p13.2.
Variant type: single nucleotide variant.
Coding change: c.-4C>A on transcript NM_012335.4 (MANE Select); 4 bases upstream of the start codon, C replaced by A.
Molecular consequence: 5 prime UTR variant.
Genome position (GRCh38, 1-based): chr19:8,577,313, G>T on the plus strand (C>A on the coding strand, the complement: MYO1F is on the minus strand). VCF-style: chr19-8577313-G-T. GRCh37 (hg19) VCF-style: chr19-8642197-G-T.
Other names: c.-4C>A (NM_001348355.2).
Identifiers: ClinVar variation 2649211 (VCV002649211.24), dbSNP rs199655160, ClinGen allele CA9159889.
Genomic context (GRCh38, chr19:8,577,313, plus strand): 5'-CTGGCTGGTGTCCCTCCTCTTTCTTCTTCCAGATCCCACCCTTGAAGGACTTACCATGGT[G>T]GGGGGCTGGTGTCTGGGCTCCTGGAGGCTCCTGAATGGGTCGTGATGGAGGTGCAGGTTC-3'

ClinVar aggregate classification (germline): Likely benign (1 of 4 stars; one submission).

Allele frequency attached by ClinVar (database versions not stated): gnomAD 0.00042; ESP Exome Variant Server 0.00066; ExAC 0.00109.
gnomAD v4.1: 1,072 of 1,613,462 alleles (0.066%); highest among the groups gnomAD compares: Admixed American, 0.1%; no homozygotes.

Submission:

CeGaT Center for Human Genetics Tuebingen
Classification: Likely benign. Last evaluated: 2022-07-01. Review status: criteria provided, single submitter. Criteria: CeGaT Center For Human Genetics Tuebingen Variant Classification Criteria Version 2. Collection method: clinical testing. Allele origin: germline. Affected: yes. Observed: 1 variant allele.
Comment: MYO1F: BP4